The following is an entry in ClinVar:

NM_001374623.1(PNPLA1):c.143G>C (p.Arg48Pro)

Gene: PNPLA1 (patatin like domain 1, omega-hydroxyceramide transacylase; plus strand). Cytogenetic location: 6p21.31.
Variant type: single nucleotide variant.
Coding change: c.143G>C on transcript NM_001374623.1 (MANE Select); coding-DNA position 143, G replaced by C.
Protein change: p.Arg48Pro; replaces arginine 48 with proline.
Molecular consequence: missense variant. On other transcripts: intron variant (2).
Genome position (GRCh38, 1-based): chr6:36,270,602, G>C. VCF-style: chr6-36270602-G-C. GRCh37 (hg19) VCF-style: chr6-36238379-G-C.
Other names: c.143G>C, p.Arg48Pro (NM_001145717.1); c.-80-20718G>C (NM_001145716.2, NM_173676.2); short protein forms R48P.
Identifiers: ClinVar variation 3896419 (VCV003896419.2).
Genomic context (GRCh38, chr6:36,270,602, plus strand): 5'-AGGCGGGGGCTGTGGACGCCCTGCGGGACCTGGCCCCCCGGATGCTGGAAACAGCCCACC[G>C]CTTTGCGGGGACATCGGCAGGTGCTGTGATCGCCGCCCTGGCCATCTGCGGGATTGAAAT-3'
Protein context (NP_001361552.1, residues 38-58): LAPRMLETAH[Arg48Pro]FAGTSAGAVI

ClinVar aggregate classification (germline): Uncertain significance (1 of 4 stars; one submission).

Submission:

Women's Health and Genetics/Laboratory Corporation of America, LabCorp
Classification: Uncertain significance. Last evaluated: 2025-04-08. Review status: criteria provided, single submitter. Criteria: LabCorp Variant Classification Summary - May 2015. Collection method: clinical testing. Allele origin: germline.
Comment: Variant summary: PNPLA1 c.143G>C (p.Arg48Pro) results in a non-conservative amino acid change in the encoded protein sequence. Four of five in-silico tools predict a damaging effect of the variant on protein function. The variant was absent in 153766 control chromosomes. The available data on variant occurrences in the general population are insufficient to allow any conclusion about variant significance. c.143G>C has been reported in the literature in a cohort with Ichthyosis (Sun_2022). These report(s) do not provide unequivocal conclusions about association of the variant with Lamellar Ichthyosis. To our knowledge, no experimental evidence demonstrating an impact on protein function has been reported. The following publication have been ascertained in the context of this evaluation (PMID: 34851365). No submitters have cited clinical-significance assessments for this variant to ClinVar. Based on the evidence outlined above, the variant was classified as uncertain significance.

Literature cited by the submitters: PubMed 34851365.